The following is an entry in ClinVar:

ClinVar aggregate classification (germline): Conflicting classifications of pathogenicity. Review status: criteria provided, conflicting classifications (1 of 4 stars). 11 submissions from 11 submitters: Uncertain significance (9); Likely benign (2). Last evaluated 2026-10-01.

Conditions:
BARD1-related disorder. Also called: BARD1-related condition.
Breast and/or ovarian cancer. Identifiers: MedGen CN221562.
Hereditary cancer-predisposing syndrome. Also called: Neoplastic Syndromes, Hereditary; Tumor predisposition; Hereditary neoplastic syndrome; Hereditary Cancer Syndrome. Identifiers: Orphanet 140162, MedGen C0027672, MeSH D009386, MONDO:0015356.
Familial cancer of breast. Also called: Hereditary breast cancer; hereditary breast carcinoma; BREAST CANCER, FAMILIAL. Identifiers: Orphanet 227535, MedGen C0346153, MONDO:0016419, OMIM 114480. Disease mechanism: loss of function.

Allele frequency attached by ClinVar (database versions not stated): TOPMed 0.00002; ExAC 0.00003; gnomAD exomes 0.00003 and 0.00005; gnomAD 0.00004.
gnomAD v4.1: 45 of 1,613,854 alleles (0.0028%); highest among the groups gnomAD compares: South Asian, 0.014%; no homozygotes.

Submissions (11):

St. Jude Molecular Pathology, St. Jude Children's Research Hospital
Classification: Uncertain significance for Familial cancer of breast. Last evaluated: 2026-10-01. Review status: criteria provided, single submitter. Criteria: St. Jude Assertion Criteria 2020. Collection method: clinical testing. Allele origin: germline.
Comment: The BARD1 c.1877A>G p.(Asn626Ser) missense change has a maximum subpopulation frequency of 0.01% in gnomAD v2.1.1. The in silico tool REVEL predicts a benign effect on protein function and in a homology-directed repair assay this variant behaved similar to wildtype (PMID: 26350354). To our knowledge, this variant has not been reported as pa thogenic in individuals with BARD1-related disease. In summary, the evidence currently available is insufficient to determine the clinical significance of this variant. It has therefore been classified as of uncertain significance (VUS-Low).

Labcorp Genetics (formerly Invitae), Labcorp
Classification: Uncertain significance for Familial cancer of breast. Last evaluated: 2025-08-25. Review status: criteria provided, single submitter. Criteria: Invitae Variant Classification Sherloc (09022015). Collection method: clinical testing. Allele origin: germline.
Comment: This sequence change replaces asparagine, which is neutral and polar, with serine, which is neutral and polar, at codon 626 of the BARD1 protein (p.Asn626Ser). The frequency data for this variant in the population databases is considered unreliable, as metrics indicate poor data quality at this position in the gnomAD database. This missense change has been observed in individual(s) with clinical features of BARD1-related conditions (PMID: 26350354). ClinVar contains an entry for this variant (Variation ID: 141027). An algorithm developed to predict the effect of missense changes on protein structure and function outputs the following: PolyPhen-2: "Benign". The serine amino acid residue is found in multiple mammalian species, which suggests that this missense change does not adversely affect protein function. Experimental studies have shown that this missense change does not substantially affect BARD1 function (PMID: 26350354). RNA analysis performed to evaluate the impact of this missense change on mRNA splicing indicates it does not significantly alter splicing (internal data). In summary, the available evidence is currently insufficient to determine the role of this variant in disease. Therefore, it has been classified as a Variant of Uncertain Significance.

PreventionGenetics, part of Exact Sciences
Classification: Uncertain significance for BARD1-related condition. Last evaluated: 2025-05-13. Review status: criteria provided, single submitter. Criteria: ACMG Guidelines, 2015. Collection method: clinical testing. Allele origin: germline.
Comment: The BARD1 c.1877A>G variant is predicted to result in the amino acid substitution p.Asn626Ser. This variant has been identified in an individual undergoing clinical testing for hereditary breast and ovarian cancer syndrome (HBOC) (Lee et al. 2015. PubMed ID: 26350354). Functional studies indicate that this variant does not disrupt BARD1 protein function (Lee et al. 2015. PubMed ID: 26350354; Adamovich et al. 2019. PubMed ID: 30925164). This variant is reported in 0.013% of alleles in individuals of South Asian descent in gnomAD, and has differing interpretations in ClinVar ranging from likely benign to uncertain. At this time, the clinical significance of this variant is uncertain due to the absence of conclusive functional and genetic evidence.

Color Diagnostics, LLC DBA Color Health
Classification: Uncertain significance for Hereditary cancer-predisposing syndrome. Last evaluated: 2024-02-12. Review status: criteria provided, single submitter. Criteria: ACMG Guidelines, 2015. Collection method: clinical testing. Allele origin: germline.
Comment: This missense variant replaces asparagine with serine at codon 626 of the BARD1 protein. Computational prediction suggests that this variant may not impact protein structure and function. Functional studies have demonstrated the variant to have ~60-90% homology-directed repair (HDR) activity compared to wild-type BARD1 (PMID: 26350354, 30925164). In an international breast cancer case-control meta-analysis, this variant was detected in 3/60466 cases and 2/53461 unaffected controls (PMID: 33471991). This variant has been identified in 13/282626 chromosomes in the general population by the Genome Aggregation Database (gnomAD). The available evidence is insufficient to determine the role of this variant in disease conclusively. Therefore, this variant is classified as a Variant of Uncertain Significance.

GeneDx
Classification: Uncertain significance. Last evaluated: 2023-03-20. Review status: criteria provided, single submitter. Criteria: GeneDx Variant Classification Process June 2021. Collection method: clinical testing. Allele origin: germline. Affected: yes.
Comment: In silico analysis supports that this missense variant does not alter protein structure/function; Published functional studies demonstrate homology-directed DNA repair activity and BARD1 protein expression similar to wild-type (Lee et al., 2015; Adamovich et al., 2019); Observed in both cases and controls in a breast cancer case-control study (Dorling et al., 2021); This variant is associated with the following publications: (PMID: 31371347, 17550235, 30925164, 26350354, 33471991)

Blueprint Genetics
Classification: Likely benign. Last evaluated: 2023-02-10. Review status: criteria provided, single submitter. Criteria: ACMG Guidelines, 2015. Collection method: clinical testing. Allele origin: germline.

CHEO Genetics Diagnostic Laboratory, Children's Hospital of Eastern Ontario
Classification: Uncertain significance for Breast and/or ovarian cancer. Last evaluated: 2021-11-25. Review status: criteria provided, single submitter. Criteria: ACMG Guidelines, 2015. Collection method: clinical testing. Allele origin: germline.

Sema4
Classification: Uncertain significance for Hereditary cancer-predisposing syndrome. Last evaluated: 2021-07-13. Review status: criteria provided, single submitter. Criteria: Sema4 Curation Guidelines. Collection method: curation. Allele origin: germline.
Comment: The BARD1 c.1877A>G (p.N626S) variant has been reported in heterozygosity in several individuals undergoing testing for hereditary breast/ovarian cancer (PMID: 26350354, 33471991). A homology-directed repair study demonstrated the normal function of the protein (PMID: 26350354). It was observed in 13/282626 chromosomes in the large and broad cohorts of the Genome Aggregation Database. The variant has been reported in ClinVar (Variation ID 141027). In silico tools suggest the impact of the variant on protein function is benign. The evidence is insufficient to meet ACMG/AMP criteria for classifying the variant as benign or pathogenic. Thus, the clinical significance of this variant is currently uncertain.

Quest Diagnostics Nichols Institute San Juan Capistrano
Classification: Uncertain significance. Last evaluated: 2021-04-23. Review status: criteria provided, single submitter. Criteria: Quest Diagnostics criteria. Collection method: clinical testing. Allele origin: unknown.

Women's Health and Genetics/Laboratory Corporation of America, LabCorp
Classification: Uncertain significance. Last evaluated: 2021-02-24. Review status: criteria provided, single submitter. Criteria: LabCorp Variant Classification Summary - May 2015. Collection method: clinical testing. Allele origin: germline.
Comment: Variant summary: BARD1 c.1877A>G (p.Asn626Ser) results in a conservative amino acid change located in the BRCT domain (IPR001357) of the encoded protein sequence. Five of five in-silico tools predict a benign effect of the variant on protein function. The variant allele was found at a frequency of 4.8e-05 in 251230 control chromosomes (gnomAD). This frequency is not higher than expected for a pathogenic variant in BARD1 causing Hereditary Breast And Ovarian Cancer Syndrome (4.8e-05 vs 0.00025), allowing no conclusion about variant significance. c.1877A>G has been reported in the literature in at least one individual who was undergoing clinical testing for HBOC (Lee_2015). The report does not provide unequivocal conclusions about association of the variant with Hereditary Breast And Ovarian Cancer Syndrome. At least one functional study demonstrated the variant to have ~90% HDR activity of that of the WT BARD1 indicating neutrality (Lee_2015). Three ClinVar submitters (evaluation after 2014) cite the variant as uncertain significance, likely benign and benign. Based on the evidence outlined above, the variant was classified as uncertain significance.

Ambry Genetics
Classification: Likely benign for Hereditary cancer-predisposing syndrome. Last evaluated: 2018-07-02. Review status: criteria provided, single submitter. Criteria: Ambry Variant Classification Scheme 2023. Collection method: clinical testing. Allele origin: germline.

Literature cited by the submitters: PubMed 26350354 (cited by 6 submitters); PubMed 30925164 (cited by Color Diagnostics, LLC DBA Color Health and Women's Health and Genetics/Laboratory Corporation of America, LabCorp); PubMed 33471991 (cited by Color Diagnostics, LLC DBA Color Health and Sema4); PubMed 31371347 (cited by Women's Health and Genetics/Laboratory Corporation of America, LabCorp).

NM_000465.4(BARD1):c.1877A>G (p.Asn626Ser)

Gene: BARD1 (BRCA1 associated RING domain 1; minus strand). Cytogenetic location: 2q35.
Variant type: single nucleotide variant.
Coding change: c.1877A>G on transcript NM_000465.4 (MANE Select); coding-DNA position 1877, A replaced by G.
Protein change: p.Asn626Ser; replaces asparagine 626 with serine.
Molecular consequence: missense variant. On other transcripts: non-coding transcript variant (3), intron variant (1).
Genome position (GRCh38, 1-based): chr2:214,745,093, T>C on the plus strand (A>G on the coding strand, the complement: BARD1 is on the minus strand). VCF-style: chr2-214745093-T-C. GRCh37 (hg19) VCF-style: chr2-215609817-T-C.
Other names: c.1820A>G, p.Asn607Ser (NM_001282543.2); c.524A>G, p.Asn175Ser (NM_001282545.2); c.467A>G, p.Asn156Ser (NM_001282548.2); c.365-14585A>G (NM_001282549.2); short protein forms N626S, N156S, N607S, N175S.
Identifiers: ClinVar variation 141027 (VCV000141027.30), dbSNP rs587781443, ClinGen allele CA164264.